The following is an entry in ClinVar:

ClinVar aggregate classification (germline): Likely benign (1 of 4 stars; one submission).

Allele frequency attached by ClinVar (database versions not stated): 1000 Genomes Project 0.00319; 1000 Genomes Project 30x 0.00344; TOPMed 0.00511; ExAC 0.00528; gnomAD 0.00573; ESP Exome Variant Server 0.00715.

Submission:

CeGaT Center for Human Genetics Tuebingen
Classification: Likely benign. Last evaluated: 2022-11-01. Review status: criteria provided, single submitter. Criteria: CeGaT Center For Human Genetics Tuebingen Variant Classification Criteria Version 2. Collection method: clinical testing. Allele origin: germline. Affected: yes. Observed: 1 variant allele.
Comment: SIPA1L2: BP4, BS2

NM_020808.5(SIPA1L2):c.4279A>C (p.Met1427Leu)

Gene: SIPA1L2 (signal induced proliferation associated 1 like 2; minus strand). Cytogenetic location: 1q42.2.
Variant type: single nucleotide variant.
Coding change: c.4279A>C on transcript NM_020808.5 (MANE Select); coding-DNA position 4279, A replaced by C.
Protein change: p.Met1427Leu; replaces methionine 1427 with leucine.
Molecular consequence: missense variant.
Genome position (GRCh38, 1-based): chr1:232,428,542, T>G on the plus strand (A>C on the coding strand, the complement: SIPA1L2 is on the minus strand). VCF-style: chr1-232428542-T-G. GRCh37 (hg19) VCF-style: chr1-232564288-T-G.
Other names: c.4279A>C, p.Met1427Leu (NM_001377488.1); short protein forms M1427L.
Identifiers: ClinVar variation 2640082 (VCV002640082.24), dbSNP rs61729754, ClinGen allele CA1454654.